The following is an entry in ClinVar:

ClinVar aggregate classification (germline): Likely benign. Review status: criteria provided, multiple submitters, no conflicts (2 of 4 stars). 2 submissions from 2 submitters: Likely benign (2). Last evaluated 2025-08-27.

Conditions:
CHST3-related disorder. Also called: CHST3-related condition.
Spondyloepiphyseal dysplasia with congenital joint dislocations (SEDCJD). Also called: Chondrodysplasia with Congenital Joint Dislocations, CHST3-Related. Identifiers: Orphanet 263463, MedGen C1837657, MONDO:0007738, OMIM 143095.

Allele frequency attached by ClinVar (database versions not stated): gnomAD exomes below 0.00001; TOPMed 0.00004.
gnomAD v4.1: 3 of 1,609,836 alleles (0.00019%); highest among the groups gnomAD compares: Admixed American, 0.0017%; no homozygotes.

Submissions (2):

PreventionGenetics, part of Exact Sciences
Classification: Likely benign for CHST3-related condition. Last evaluated: 2025-08-27. Review status: criteria provided, single submitter. Criteria: ACMG Guidelines, 2015. Collection method: clinical testing. Allele origin: germline.
Comment: This variant is classified as likely benign based on ACMG/AMP sequence variant interpretation guidelines (Richards et al. 2015 PMID: 25741868, with internal and published modifications).

Labcorp Genetics (formerly Invitae), Labcorp
Classification: Likely benign for Spondyloepiphyseal dysplasia with congenital joint dislocations. Last evaluated: 2025-03-06. Review status: criteria provided, single submitter. Criteria: Invitae Variant Classification Sherloc (09022015). Collection method: clinical testing. Allele origin: germline.

NM_004273.5(CHST3):c.594C>T (p.Cys198=)

Gene: CHST3 (carbohydrate sulfotransferase 3; plus strand). Cytogenetic location: 10q22.1.
Variant type: single nucleotide variant.
Coding change: c.594C>T on transcript NM_004273.5 (MANE Select); coding-DNA position 594, C replaced by T.
Protein change: p.Cys198=; no amino-acid change (cysteine 198 retained).
Molecular consequence: synonymous variant.
Genome position (GRCh38, 1-based): chr10:72,007,625, C>T. VCF-style: chr10-72007625-C-T. GRCh37 (hg19) VCF-style: chr10-73767383-C-T.
Other names: c.594C>T (NM_004273.4).
Identifiers: ClinVar variation 2178671 (VCV002178671.5), dbSNP rs1476917552, ClinGen allele CA470284163.